The following is an entry in ClinVar:

ClinVar aggregate classification (germline): Uncertain significance (1 of 4 stars; one submission).

Submission:

Labcorp Genetics (formerly Invitae), Labcorp
Classification: Uncertain significance. Last evaluated: 2025-08-17. Review status: criteria provided, single submitter. Criteria: Invitae Variant Classification Sherloc (09022015). Collection method: clinical testing. Allele origin: germline.
Comment: This sequence change affects a donor splice site in intron 12 of the ARIH1 gene. It is expected to disrupt RNA splicing. Variants that disrupt the donor or acceptor splice site typically lead to a loss of protein function (PMID: 16199547), however the current clinical and genetic evidence is not sufficient to establish whether loss-of-function variants in ARIH1 cause disease. This variant is not present in population databases (gnomAD no frequency). This variant has not been reported in the literature in individuals affected with ARIH1-related conditions. Algorithms developed to predict the effect of sequence changes on RNA splicing suggest that this variant may disrupt the consensus splice site. In summary, the available evidence is currently insufficient to determine the role of this variant in disease. Therefore, it has been classified as a Variant of Uncertain Significance.

Literature cited by the submitters: PubMed 16199547.

NM_005744.5(ARIH1):c.1476+2T>C

Gene: ARIH1 (ariadne RBR E3 ubiquitin protein ligase 1; plus strand). Cytogenetic location: 15q24.1.
Variant type: single nucleotide variant.
Coding change: c.1476+2T>C on transcript NM_005744.5 (MANE Select); the canonical splice donor site of the intron after coding-DNA position 1476, T replaced by C.
Molecular consequence: splice donor variant.
Genome position (GRCh38, 1-based): chr15:72,580,993, T>C. VCF-style: chr15-72580993-T-C. GRCh37 (hg19) VCF-style: chr15-72873334-T-C.
Identifiers: ClinVar variation 4725558 (VCV004725558.1).